The following is an entry in ClinVar:

ClinVar aggregate classification (germline): Benign. Review status: criteria provided, multiple submitters, no conflicts (2 of 4 stars). 2 submissions from 2 submitters: Benign (2). Last evaluated 2018-06-18.

Allele frequency attached by ClinVar (database versions not stated): gnomAD exomes 0.13051; gnomAD 0.20600 and 0.20663; TOPMed 0.21936; 1000 Genomes Project 0.27117; 1000 Genomes Project 30x 0.27139.
gnomAD v4.1: 198,368 of 1,423,430 alleles (14%); highest among the groups gnomAD compares: African/African-American, 39%; 17,625 homozygotes.

Submissions (2):

GeneDx
Classification: Benign. Last evaluated: 2018-06-18. Review status: criteria provided, single submitter. Criteria: GeneDx Variant Classification (06012015). Collection method: clinical testing. Allele origin: germline. Affected: yes.
Comment: This variant is considered likely benign or benign based on one or more of the following criteria: it is a conservative change, it occurs at a poorly conserved position in the protein, it is predicted to be benign by multiple in silico algorithms, and/or has population frequency not consistent with disease.

Breakthrough Genomics
Classification: Benign. Review status: criteria provided, single submitter. Criteria: ACMG Guidelines, 2015. Collection method: not provided. Allele origin: germline. Inheritance: Autosomal dominant inheritance. Affected: yes.

NM_001376.5(DYNC1H1):c.4884-93G>C

Gene: DYNC1H1 (dynein cytoplasmic 1 heavy chain 1; plus strand). Cytogenetic location: 14q32.31.
Variant type: single nucleotide variant.
Coding change: c.4884-93G>C on transcript NM_001376.5 (MANE Select); 93 bases into the intron before coding-DNA position 4884, G replaced by C.
Molecular consequence: intron variant.
Genome position (GRCh38, 1-based): chr14:102,004,425, G>C. VCF-style: chr14-102004425-G-C. GRCh37 (hg19) VCF-style: chr14-102470762-G-C.
Identifiers: ClinVar variation 679345 (VCV000679345.2), dbSNP rs2749896, ClinGen allele CA15802504.